The following is an entry in ClinVar:

ClinVar aggregate classification (germline): Uncertain significance (1 of 4 stars; one submission).

Conditions:
Seizure. Also called: Seizures. Identifiers: MedGen C0036572, HP:0001250.

Submission:

Clinical Genetics Laboratory, Skane University Hospital Lund
Classification: Uncertain significance for Seizure. Last evaluated: 2024-09-02. Review status: criteria provided, single submitter. Criteria: ACMG Guidelines, 2015. Collection method: clinical testing. Allele origin: de novo. Affected: yes.
Comment: PS2, BS2 (3 allele count in gnomAD v4.1.0)

NM_014712.3(SETD1A):c.1349G>T (p.Ser450Ile)

Gene: SETD1A (SET domain containing 1A, histone lysine methyltransferase; plus strand). Cytogenetic location: 16p11.2.
Variant type: single nucleotide variant.
Coding change: c.1349G>T on transcript NM_014712.3 (MANE Select); coding-DNA position 1349, G replaced by T.
Protein change: p.Ser450Ile; replaces serine 450 with isoleucine.
Molecular consequence: missense variant.
Genome position (GRCh38, 1-based): chr16:30,965,091, G>T. VCF-style: chr16-30965091-G-T. GRCh37 (hg19) VCF-style: chr16-30976412-G-T.
Other names: short protein forms S450I.
Identifiers: ClinVar variation 3769587 (VCV003769587.1).
Genomic context (GRCh38, chr16:30,965,091, plus strand): 5'-CAGAGGCTCCACCCCCGGAGCCTCCAGAACCTGGTGGAGGCGGGGGTGGAGGAGGGCCCA[G>T]CCCTGAGAGAGAAGAAGTTCGGACTTCCCCCCGCCCAGCCTCCCCTGCCCGCTCTGGCTC-3'
Protein context (NP_055527.1, residues 440-460): PGGGGGGGGP[Ser450Ile]PEREEVRTSP